The following is an entry in ClinVar:

ClinVar aggregate classification (germline): Uncertain significance (1 of 4 stars; one submission).

Conditions:
Cardiovascular phenotype. Identifiers: MedGen CN230736.

Allele frequency attached by ClinVar (database versions not stated): gnomAD exomes 0.00001.

Submission:

Ambry Genetics
Classification: Uncertain significance for Cardiovascular phenotype. Last evaluated: 2023-02-17. Review status: criteria provided, single submitter. Criteria: Ambry Variant Classification Scheme 2023. Collection method: clinical testing. Allele origin: germline.
Comment: The p.M186I variant (also known as c.558G>A), located in coding exon 1 of the KCNJ5 gene, results from a G to A substitution at nucleotide position 558. The methionine at codon 186 is replaced by isoleucine, an amino acid with highly similar properties. This amino acid position is highly conserved in available vertebrate species. In addition, this alteration is predicted to be deleterious by in silico analysis. Based on the supporting evidence, this variant is unlikely to be causative of KCNJ5- related hyperaldosteronism; however, the evidence for KCNJ5- related long QT syndrome is limited; and it's clinical significance is unclear.

NM_000890.5(KCNJ5):c.558G>A (p.Met186Ile)

Gene: KCNJ5 (potassium inwardly rectifying channel subfamily J member 5; plus strand). Cytogenetic location: 11q24.3.
Variant type: single nucleotide variant.
Coding change: c.558G>A on transcript NM_000890.5 (MANE Select); coding-DNA position 558, G replaced by A.
Protein change: p.Met186Ile; replaces methionine 186 with isoleucine.
Molecular consequence: missense variant.
Genome position (GRCh38, 1-based): chr11:128,911,831, G>A. VCF-style: chr11-128911831-G-A. GRCh37 (hg19) VCF-style: chr11-128781726-G-A.
Other names: c.558G>A, p.Met186Ile (NM_001354169.2); short protein forms M186I.
Identifiers: ClinVar variation 2449081 (VCV002449081.2), dbSNP rs1442130541, ClinGen allele CA383249044.